The following is an entry in ClinVar:

NM_004565.3(PEX14):c.101A>G (p.Lys34Arg)

Gene: PEX14 (peroxisomal biogenesis factor 14; plus strand). Cytogenetic location: 1p36.22.
Variant type: single nucleotide variant.
Coding change: c.101A>G on transcript NM_004565.3 (MANE Select); coding-DNA position 101, A replaced by G.
Protein change: p.Lys34Arg; replaces lysine 34 with arginine.
Molecular consequence: missense variant.
Genome position (GRCh38, 1-based): chr1:10,536,229, A>G. VCF-style: chr1-10536229-A-G. GRCh37 (hg19) VCF-style: chr1-10596286-A-G.
Other names: short protein forms K34R.
Identifiers: ClinVar variation 1460557 (VCV001460557.5), dbSNP rs2124482101, ClinGen allele CA338688542.
Genomic context (GRCh38, chr1:10,536,229, plus strand): 5'-CTATTGAAGTGAAGTTTACTCCTCTATTTTCTCTCTCTCACCAGATTGCCACGGCAGTGA[A>G]GTTTCTACAGAATTCCCGGGTCCGCCAGAGCCCACTTGCAACCAGGAGAGCATTCCTAAA-3'
Protein context (NP_004556.1, residues 24-44): PREPLIATAV[Lys34Arg]FLQNSRVRQS

ClinVar aggregate classification (germline): Uncertain significance (1 of 4 stars; one submission).

Conditions:
Peroxisome biogenesis disorder, complementation group K (CGK). Identifiers: MedGen C1866257, MONDO:0800365.

Submission:

Labcorp Genetics (formerly Invitae), Labcorp
Classification: Uncertain significance for Peroxisome biogenesis disorder, complementation group K. Last evaluated: 2022-08-21. Review status: criteria provided, single submitter. Criteria: Invitae Variant Classification Sherloc (09022015). Collection method: clinical testing. Allele origin: germline.
Comment: This sequence change replaces lysine, which is basic and polar, with arginine, which is basic and polar, at codon 34 of the PEX14 protein (p.Lys34Arg). This variant is not present in population databases (gnomAD no frequency). This variant has not been reported in the literature in individuals affected with PEX14-related conditions. ClinVar contains an entry for this variant (Variation ID: 1460557). Algorithms developed to predict the effect of missense changes on protein structure and function (SIFT, PolyPhen-2, Align-GVGD) all suggest that this variant is likely to be tolerated. In summary, the available evidence is currently insufficient to determine the role of this variant in disease. Therefore, it has been classified as a Variant of Uncertain Significance.